The following is an entry in ClinVar:

ClinVar aggregate classification (germline): Likely benign (1 of 4 stars; one submission).

Conditions:
TUBB1-related disorder. Also called: TUBB1-related condition.

gnomAD v4.1: 56 of 1,613,928 alleles (0.0035%); highest among the groups gnomAD compares: East Asian, 0.12%; no homozygotes.

Submission:

PreventionGenetics, part of Exact Sciences
Classification: Likely benign for TUBB1-related condition. Last evaluated: 2025-12-11. Review status: criteria provided, single submitter. Criteria: ACMG Guidelines, 2015. Collection method: clinical testing. Allele origin: germline.
Comment: This variant is classified as likely benign based on ACMG/AMP sequence variant interpretation guidelines (Richards et al. 2015 PMID: 25741868, with internal and published modifications).

NM_030773.4(TUBB1):c.869C>T (p.Thr290Ile)

Gene: TUBB1 (tubulin beta 1 class VI; plus strand). Cytogenetic location: 20q13.32.
Variant type: single nucleotide variant.
Coding change: c.869C>T on transcript NM_030773.4 (MANE Select); coding-DNA position 869, C replaced by T.
Protein change: p.Thr290Ile; replaces threonine 290 with isoleucine.
Molecular consequence: missense variant.
Genome position (GRCh38, 1-based): chr20:59,024,296, C>T. VCF-style: chr20-59024296-C-T. GRCh37 (hg19) VCF-style: chr20-57599351-C-T.
Other names: short protein forms T290I.
Identifiers: ClinVar variation 4979333 (VCV004979333.1).